The following is an entry in ClinVar:

ClinVar aggregate classification (germline): Pathogenic. Review status: criteria provided, single submitter (1 of 4 stars). 2 submissions from 2 submitters: Pathogenic (1). 1 of the submissions does not count toward it. Last evaluated 2023-01-10.

Conditions:
Breast-ovarian cancer, familial, susceptibility to, 2 (BROVCA2). Also called: BRCA2 Hereditary Breast and Ovarian Cancer. Identifiers: Orphanet 145, MedGen C2675520, MONDO:0012933, OMIM 612555. Disease mechanism: loss of function.
Gastric cancer. Also called: Malignant tumor of stomach; Stomach cancer. Identifiers: MedGen C0024623, MeSH D013274, MONDO:0001056, OMIM 613659, HP:0012126.

Submissions (2):

Myriad Genetics, Inc.
Classification: Pathogenic for Breast-ovarian cancer, familial, susceptibility to, 2. Last evaluated: 2023-01-10. Review status: criteria provided, single submitter. Criteria: Myriad Autosomal Dominant, Autosomal Recessive and X-Linked Classification Criteria (2023). Collection method: clinical testing. Allele origin: unknown.
Comment: This variant is considered pathogenic. This variant creates a frameshift predicted to result in premature protein truncation.

Laboratory for Genotyping Development, RIKEN
Classification: Pathogenic for Gastric cancer. Last evaluated: 2021-07-01. Review status: no assertion criteria provided. Collection method: research. Allele origin: germline. Not counted in ClinVar's aggregate classification.

Literature cited by the submitters: PubMed 36988593 (cited by Laboratory for Genotyping Development, RIKEN).

NM_000059.4(BRCA2):c.4888del (p.Ser1630fs)

Gene: BRCA2 (BRCA2 DNA repair associated; plus strand). Cytogenetic location: 13q13.1.
Variant type: Deletion.
Coding change: c.4888del on transcript NM_000059.4 (MANE Select); coding-DNA position 4888, one base deleted (T; older notation c.4888delT).
Protein change: p.Ser1630fs; shifts the reading frame from serine 1630.
Molecular consequence: frameshift variant.
Genome position (GRCh38, 1-based): chr13:32,339,243, T deleted. VCF-style (leftmost placement, unchanged base first): chr13-32339242-AT-A. GRCh37 (hg19) VCF-style: chr13-32913379-AT-A.
Other names: c.4888delT, p.Ser1630Glnfs (NM_001406719.1, NM_001406720.1); short protein forms S1630fs.
Identifiers: ClinVar variation 1801604 (VCV001801604.7), dbSNP rs2548529525, ClinGen allele CA2580087316.
Genomic context (GRCh38, chr13:32,339,242, plus strand): 5'-TGTGGTGCCACCTAAGCTCTTAAGTGATAATTTATGTAGACAAACTGAAAATCTCAAAAC[AT>A]CAAAAAGTATCTTTTTGAAAGTTAAAGTACATGAAAATGTAGAAAAAGAAACAGCAAAAA-3'